The following is an entry in ClinVar:

NM_001854.4(COL11A1):c.2971G>T (p.Gly991Cys)

Gene: COL11A1 (collagen type XI alpha 1 chain; minus strand). Cytogenetic location: 1p21.1.
Variant type: single nucleotide variant.
Coding change: c.2971G>T on transcript NM_001854.4 (MANE Select); coding-DNA position 2971, G replaced by T.
Protein change: p.Gly991Cys; replaces glycine 991 with cysteine.
Molecular consequence: missense variant. On other transcripts: non-coding transcript variant (1).
Genome position (GRCh38, 1-based): chr1:102,962,706, C>A on the plus strand (G>T on the coding strand, the complement: COL11A1 is on the minus strand). VCF-style: chr1-102962706-C-A. GRCh37 (hg19) VCF-style: chr1-103428262-C-A.
Other names: c.2623G>T, p.Gly875Cys (NM_001168249.1, NM_080630.4); c.2854G>T, p.Gly952Cys (NM_001190709.2); c.3007G>T, p.Gly1003Cys (NM_080629.3); short protein forms G952C, G1003C, G875C, G991C.
Identifiers: ClinVar variation 2760141 (VCV002760141.3), dbSNP rs2524933596, ClinGen allele CA341157878.
Genomic context (GRCh38, chr1:102,962,706, plus strand): 5'-GTTGTACCTTTGCACCTTCTTTTCCTGCAGCACCAGGAAGACCTTGCTCACCAGGAGGGC[C>A]AGGAGGGCCAGGATGCCCACGTTCCCCTATTGGACCAGTCTCACCGGTTGGTCCCTAAAT-3'
Protein context (NP_001845.3, residues 981-1001): IGERGHPGPP[Gly991Cys]PPGEQGLPGA

ClinVar aggregate classification (germline): Uncertain significance (1 of 4 stars; one submission).

Submission:

Labcorp Genetics (formerly Invitae), Labcorp
Classification: Uncertain significance. Last evaluated: 2023-09-21. Review status: criteria provided, single submitter. Criteria: Invitae Variant Classification Sherloc (09022015). Collection method: clinical testing. Allele origin: germline.
Comment: Advanced modeling of protein sequence and biophysical properties (such as structural, functional, and spatial information, amino acid conservation, physicochemical variation, residue mobility, and thermodynamic stability) performed at Invitae indicates that this missense variant is expected to disrupt COL11A1 protein function. This variant has not been reported in the literature in individuals affected with COL11A1-related conditions. This variant is not present in population databases (gnomAD no frequency). This sequence change replaces glycine, which is neutral and non-polar, with cysteine, which is neutral and slightly polar, at codon 991 of the COL11A1 protein (p.Gly991Cys). In summary, the available evidence is currently insufficient to determine the role of this variant in disease. Therefore, it has been classified as a Variant of Uncertain Significance.